The following is an entry in ClinVar:

ClinVar aggregate classification (germline): Conflicting classifications of pathogenicity. Review status: criteria provided, conflicting classifications (1 of 4 stars). 3 submissions from 3 submitters: Uncertain significance (2); Likely benign (1). Last evaluated 2026-08-12.

Allele frequency attached by ClinVar (database versions not stated): TOPMed below 0.00001; ExAC 0.00001; gnomAD exomes 0.00001 and 0.00002; ESP Exome Variant Server 0.00009.
gnomAD v4.1: 7 of 1,211,355 alleles (0.00058%); highest among the groups gnomAD compares: Admixed American, 0.0043%; no homozygotes.

Submissions (3):

Ambry Genetics
Classification: Uncertain significance. Last evaluated: 2026-08-12. Review status: criteria provided, single submitter. Criteria: Ambry Variant Classification Scheme 2023. Collection method: clinical testing. Allele origin: germline.
Comment: The c.764A>G (p.N255S) alteration is located in exon 3 (coding exon 2) of the KIAA2022 gene. This alteration results from a A to G substitution at nucleotide position 764, causing the asparagine (N) at amino acid position 255 to be replaced by a serine (S). Based on data from gnomAD, the G allele has an overall frequency of 0.002% (4/183232) total alleles studied. The highest observed frequency was 0.007% (2/27422) of Latino alleles. Based on insufficient or conflicting evidence, the clinical significance of this alteration remains unclear.

CeGaT Center for Human Genetics Tuebingen
Classification: Likely benign. Last evaluated: 2026-01-01. Review status: criteria provided, single submitter. Criteria: CeGaT Center For Human Genetics Tuebingen Variant Classification Criteria Version 2. Collection method: clinical testing. Allele origin: germline. Affected: yes. Observed: 1 variant allele.
Comment: NEXMIF: BP4, BS2

Labcorp Genetics (formerly Invitae), Labcorp
Classification: Uncertain significance. Last evaluated: 2025-05-30. Review status: criteria provided, single submitter. Criteria: Invitae Variant Classification Sherloc (09022015). Collection method: clinical testing. Allele origin: germline.
Comment: This sequence change replaces asparagine, which is neutral and polar, with serine, which is neutral and polar, at codon 255 of the NEXMIF protein (p.Asn255Ser). This variant is present in population databases (rs369569825, gnomAD 0.008%), including at least one homozygous and/or hemizygous individual. This variant has not been reported in the literature in individuals affected with NEXMIF-related conditions. ClinVar contains an entry for this variant (Variation ID: 952070). An algorithm developed to predict the effect of missense changes on protein structure and function outputs the following: PolyPhen-2: "Benign". The serine amino acid residue is found in multiple mammalian species, which suggests that this missense change does not adversely affect protein function. In summary, the available evidence is currently insufficient to determine the role of this variant in disease. Therefore, it has been classified as a Variant of Uncertain Significance.

NM_001008537.3(NEXMIF):c.764A>G (p.Asn255Ser)

Gene: NEXMIF (neurite extension and migration factor; minus strand). Cytogenetic location: Xq13.3.
Variant type: single nucleotide variant.
Coding change: c.764A>G on transcript NM_001008537.3 (MANE Select); coding-DNA position 764, A replaced by G.
Protein change: p.Asn255Ser; replaces asparagine 255 with serine.
Molecular consequence: missense variant.
Genome position (GRCh38, 1-based): chrX:74,743,793, T>C on the plus strand (A>G on the coding strand, the complement: NEXMIF is on the minus strand). VCF-style: chrX-74743793-T-C. GRCh37 (hg19) VCF-style: chrX-73963628-T-C.
Other names: short protein forms N255S.
Identifiers: ClinVar variation 952070 (VCV000952070.14), dbSNP rs369569825, ClinGen allele CA10455182.
Genomic context (GRCh38, chrX:74,743,793, plus strand): 5'-AGGTCAAGCAGTTCAATCTTACTTTCACTAATAAAAGTCTCGAAGTAACCCCAATCCTGA[T>C]TGGAATTTGCAAGCAAAGCTTCTTCTGTATTGCACTTGTCTAACAGTAATGCCTCATAAT-3'
Protein context (NP_001008537.1, residues 245-265): NTEEALLANS[Asn255Ser]QDWGYFETFI